The following is an entry in ClinVar:

NM_001364905.1(LRBA):c.2112G>A (p.Met704Ile)

Gene: LRBA (LPS responsive beige-like anchor protein; minus strand). Cytogenetic location: 4q31.3.
Variant type: single nucleotide variant.
Coding change: c.2112G>A on transcript NM_001364905.1 (MANE Select); coding-DNA position 2112, G replaced by A.
Protein change: p.Met704Ile; replaces methionine 704 with isoleucine.
Molecular consequence: missense variant.
Genome position (GRCh38, 1-based): chr4:150,893,105, C>T on the plus strand (G>A on the coding strand, the complement: LRBA is on the minus strand). VCF-style: chr4-150893105-C-T. GRCh37 (hg19) VCF-style: chr4-151814257-C-T.
Other names: p.Met704Ile; c.2112G>A, p.Met704Ile (NM_001199282.3, NM_001367550.1, NM_006726.5); short protein forms M704I.
Identifiers: ClinVar variation 838605 (VCV000838605.10), dbSNP rs114786941, ClinGen allele CA3103356.

ClinVar aggregate classification (germline): Uncertain significance. Review status: criteria provided, multiple submitters, no conflicts (2 of 4 stars). 5 submissions from 5 submitters: Uncertain significance (5). Last evaluated 2025-09-30.

Conditions:
Inborn genetic diseases. Identifiers: MedGen C0950123, MeSH D030342.
Combined immunodeficiency due to LRBA deficiency. Also called: Common variable immunodeficiency 8, with autoimmunity. Identifiers: Orphanet 445018, MedGen C3553512, MONDO:0013863, OMIM 614700.

Allele frequency attached by ClinVar (database versions not stated): gnomAD exomes 0.00012 and 0.00006; gnomAD 0.00040 and 0.00041; TOPMed 0.00050; 1000 Genomes Project 0.00100; ExAC 0.00016; ESP Exome Variant Server 0.00046; 1000 Genomes Project 30x 0.00125.
gnomAD v4.1: 146 of 1,612,502 alleles (0.0091%); highest among the groups gnomAD compares: African/African-American, 0.17%; no homozygotes.

Submissions (5):

Mayo Clinic Laboratories, Mayo Clinic
Classification: Uncertain significance. Last evaluated: 2025-09-30. Review status: criteria provided, single submitter. Criteria: ACMG Guidelines, 2015. Collection method: clinical testing. Allele origin: germline. Observed: 2 variant alleles.
Comment: BP4

Labcorp Genetics (formerly Invitae), Labcorp
Classification: Uncertain significance for Combined immunodeficiency due to LRBA deficiency. Last evaluated: 2023-12-07. Review status: criteria provided, single submitter. Criteria: Invitae Variant Classification Sherloc (09022015). Collection method: clinical testing. Allele origin: germline.
Comment: This sequence change replaces methionine, which is neutral and non-polar, with isoleucine, which is neutral and non-polar, at codon 704 of the LRBA protein (p.Met704Ile). This variant is present in population databases (rs114786941, gnomAD 0.2%). This variant has not been reported in the literature in individuals affected with LRBA-related conditions. ClinVar contains an entry for this variant (Variation ID: 838605). Advanced modeling of protein sequence and biophysical properties (such as structural, functional, and spatial information, amino acid conservation, physicochemical variation, residue mobility, and thermodynamic stability) has been performed at Invitae for this missense variant, however the output from this modeling did not meet the statistical confidence thresholds required to predict the impact of this variant on LRBA protein function. In summary, the available evidence is currently insufficient to determine the role of this variant in disease. Therefore, it has been classified as a Variant of Uncertain Significance.

GeneDx
Classification: Uncertain significance. Last evaluated: 2023-05-12. Review status: criteria provided, single submitter. Criteria: GeneDx Variant Classification Process June 2021. Collection method: clinical testing. Allele origin: germline. Affected: yes.
Comment: In silico analysis supports that this missense variant has a deleterious effect on protein structure/function; Has not been previously published as pathogenic or benign to our knowledge

Ambry Genetics
Classification: Uncertain significance for Inborn genetic diseases. Last evaluated: 2021-08-09. Review status: criteria provided, single submitter. Criteria: Ambry Variant Classification Scheme 2023. Collection method: clinical testing. Allele origin: germline.

Breakthrough Genomics
Classification: Uncertain significance. Review status: criteria provided, single submitter. Criteria: ACMG Guidelines, 2015. Collection method: not provided. Allele origin: germline. Inheritance: Autosomal recessive inheritance. Affected: yes.